The following is an entry in ClinVar:

NM_002470.4(MYH3):c.414G>C (p.Glu138Asp)

Gene: MYH3 (myosin heavy chain 3; minus strand). Cytogenetic location: 17p13.1.
Variant type: single nucleotide variant.
Coding change: c.414G>C on transcript NM_002470.4 (MANE Select); coding-DNA position 414, G replaced by C.
Protein change: p.Glu138Asp; replaces glutamic acid 138 with aspartic acid.
Molecular consequence: missense variant.
Genome position (GRCh38, 1-based): chr17:10,651,603, C>G on the plus strand (G>C on the coding strand, the complement: MYH3 is on the minus strand). VCF-style: chr17-10651603-C-G. GRCh37 (hg19) VCF-style: chr17-10554920-C-G.
Other names: c.414G>C (NM_002470.3); short protein forms E138D.
Identifiers: ClinVar variation 1379794 (VCV001379794.7), dbSNP rs143057132, ClinGen allele CA8393284.

ClinVar aggregate classification (germline): Uncertain significance. Review status: criteria provided, multiple submitters, no conflicts (2 of 4 stars). 2 submissions from 2 submitters: Uncertain significance (2). Last evaluated 2025-12-30.

Conditions:
Inborn genetic diseases. Identifiers: MedGen C0950123, MeSH D030342.

Allele frequency attached by ClinVar (database versions not stated): gnomAD exomes 0.00001 and 0.00005; ExAC 0.00007; gnomAD 0.00009 and 0.00010; TOPMed 0.00010; ESP Exome Variant Server 0.00031.

Submissions (2):

Labcorp Genetics (formerly Invitae), Labcorp
Classification: Uncertain significance. Last evaluated: 2025-12-30. Review status: criteria provided, single submitter. Criteria: Invitae Variant Classification Sherloc (09022015). Collection method: clinical testing. Allele origin: germline.
Comment: This sequence change replaces glutamic acid, which is acidic and polar, with aspartic acid, which is acidic and polar, at codon 138 of the MYH3 protein (p.Glu138Asp). The frequency data for this variant in the population databases is considered unreliable, as metrics indicate poor data quality at this position in the gnomAD database. This variant has not been reported in the literature in individuals affected with MYH3-related conditions. ClinVar contains an entry for this variant (Variation ID: 1379794). Invitae Evidence Modeling of protein sequence and biophysical properties (such as structural, functional, and spatial information, amino acid conservation, physicochemical variation, residue mobility, and thermodynamic stability) indicates that this missense variant is not expected to disrupt MYH3 protein function with a negative predictive value of 95%. In summary, the available evidence is currently insufficient to determine the role of this variant in disease. Therefore, it has been classified as a Variant of Uncertain Significance.

Ambry Genetics
Classification: Uncertain significance for Inborn genetic diseases. Last evaluated: 2023-11-15. Review status: criteria provided, single submitter. Criteria: Ambry Variant Classification Scheme 2023. Collection method: clinical testing. Allele origin: germline.